The following is an entry in ClinVar:

ClinVar aggregate classification (germline): Uncertain significance. Review status: criteria provided, multiple submitters, no conflicts (2 of 4 stars). 5 submissions from 5 submitters: Uncertain significance (5). Last evaluated 2026-03-26.

Conditions:
Inborn genetic diseases. Identifiers: MedGen C0950123, MeSH D030342.
ABCA4-related disorder. Also called: ABCA4-related condition; ABCA4-related disorders. Identifiers: MedGen CN239167.

Allele frequency attached by ClinVar (database versions not stated): ExAC 0.00004; gnomAD 0.00009 and 0.00011; TOPMed 0.00011; 1000 Genomes Project 0.00020; ESP Exome Variant Server 0.00023; 1000 Genomes Project 30x 0.00031.
gnomAD v4.1: 29 of 1,612,372 alleles (0.0018%); highest among the groups gnomAD compares: African/African-American, 0.037%; no homozygotes.

Submissions (5):

PreventionGenetics, part of Exact Sciences
Classification: Uncertain significance for ABCA4-related condition. Last evaluated: 2026-03-26. Review status: criteria provided, single submitter. Criteria: ACMG Guidelines, 2015. Collection method: clinical testing. Allele origin: germline.
Comment: The ABCA4 c.1544A>G variant is predicted to result in the amino acid substitution p.Gln515Arg. To our knowledge, this variant has not been reported in the literature. This variant is reported in 0.036% of alleles in individuals of African descent in gnomAD. At this time, the clinical significance of this variant is uncertain due to the absence of conclusive functional and genetic evidence.

Dasa
Classification: Uncertain significance. Last evaluated: 2025-12-19. Review status: criteria provided, single submitter. Criteria: DASA Assertion Criteria. Collection method: clinical testing. Allele origin: germline.
Comment: NM_000350.3(ABCA4):c.1544A>G (p.Gln515Arg) is a missense variant that results in the substitution of glutamine with arginine. This variant is rare in population databases. The currently available literature and clinical evidence are not sufficient to establish a definitive association between this variant and the reported condition. Therefore, this variant is classified as a variant of uncertain significance.

Labcorp Genetics (formerly Invitae), Labcorp
Classification: Uncertain significance. Last evaluated: 2024-10-29. Review status: criteria provided, single submitter. Criteria: Invitae Variant Classification Sherloc (09022015). Collection method: clinical testing. Allele origin: germline.
Comment: This sequence change replaces glutamine, which is neutral and polar, with arginine, which is basic and polar, at codon 515 of the ABCA4 protein (p.Gln515Arg). This variant is present in population databases (rs372838089, gnomAD 0.03%). This variant has not been reported in the literature in individuals affected with ABCA4-related conditions. ClinVar contains an entry for this variant (Variation ID: 857123). Invitae Evidence Modeling of protein sequence and biophysical properties (such as structural, functional, and spatial information, amino acid conservation, physicochemical variation, residue mobility, and thermodynamic stability) indicates that this missense variant is not expected to disrupt ABCA4 protein function with a negative predictive value of 95%. In summary, the available evidence is currently insufficient to determine the role of this variant in disease. Therefore, it has been classified as a Variant of Uncertain Significance.

Ambry Genetics
Classification: Uncertain significance for Inborn genetic diseases. Last evaluated: 2024-06-07. Review status: criteria provided, single submitter. Criteria: Ambry Variant Classification Scheme 2023. Collection method: clinical testing. Allele origin: germline.

Blueprint Genetics
Classification: Uncertain significance. Last evaluated: 2021-12-20. Review status: criteria provided, single submitter. Criteria: ACMG Guidelines, 2015. Collection method: clinical testing. Allele origin: germline.

NM_000350.3(ABCA4):c.1544A>G (p.Gln515Arg)

Gene: ABCA4 (ATP binding cassette subfamily A member 4; minus strand). Cytogenetic location: 1p22.1.
Variant type: single nucleotide variant.
Coding change: c.1544A>G on transcript NM_000350.3 (MANE Select); coding-DNA position 1544, A replaced by G.
Protein change: p.Gln515Arg; replaces glutamine 515 with arginine.
Molecular consequence: missense variant.
Genome position (GRCh38, 1-based): chr1:94,077,700, T>C on the plus strand (A>G on the coding strand, the complement: ABCA4 is on the minus strand). VCF-style: chr1-94077700-T-C. GRCh37 (hg19) VCF-style: chr1-94543256-T-C.
Other names: c.1544A>G, p.Gln515Arg (NM_001425324.1); short protein forms Q515R.
Identifiers: ClinVar variation 857123 (VCV000857123.16), dbSNP rs372838089, ClinGen allele CA958497.